The following is an entry in ClinVar:

ClinVar aggregate classification (germline): Benign (1 of 4 stars; one submission).

Conditions:
Lynch syndrome 4 (LYNCH4). Also called: Colorectal cancer, hereditary nonpolyposis, type 4; Hereditary non-polyposis colorectal cancer, type 4. Identifiers: Orphanet 144, MedGen C1838333, MONDO:0013699, OMIM 614337. Disease mechanism: loss of function.

gnomAD v4.1: 9 of 1,136,560 alleles (0.00079%); highest among the groups gnomAD compares: East Asian, 0.007%; no homozygotes.

Submission:

Myriad Genetics, Inc.
Classification: Benign for Lynch syndrome 4. Last evaluated: 2025-01-28. Review status: criteria provided, single submitter. Criteria: Myriad Autosomal Dominant, Autosomal Recessive and X-Linked Classification Criteria (2023). Collection method: clinical testing. Allele origin: unknown.
Comment: This variant is considered benign. This variant is intronic and is not expected to impact mRNA splicing.

NM_000535.7(PMS2):c.804-57G>A

Gene: PMS2 (PMS1 homolog 2, mismatch repair system component; minus strand). Cytogenetic location: 7p22.1.
Variant type: single nucleotide variant.
Coding change: c.804-57G>A on transcript NM_000535.7 (MANE Select); 57 bases into the intron before coding-DNA position 804, G replaced by A.
Molecular consequence: intron variant.
Genome position (GRCh38, 1-based): chr7:5,995,690, C>T on the plus strand (G>A on the coding strand, the complement: PMS2 is on the minus strand). VCF-style: chr7-5995690-C-T. GRCh37 (hg19) VCF-style: chr7-6035321-C-T.
Other names: c.486-57G>A (NM_001322008.2, NM_001406902.1, NM_001406883.1 and 4 more transcripts); c.495-57G>A (NM_001406881.1, NM_001406879.1, NM_001322015.2 and 6 more transcripts); c.399-57G>A (NM_001406895.1, NM_001322010.2, NM_001322004.2 and 19 more transcripts); c.133-3633G>A (NM_001406911.1); c.291-57G>A (NM_001406904.1, NM_001406905.1); c.231-57G>A (NM_001322013.2, NM_001406909.1); c.-130-57G>A (NM_001322012.2, NM_001322011.2); c.468-57G>A (NM_001406885.1); and 8 more.
Identifiers: ClinVar variation 3903448 (VCV003903448.1).